The following is an entry in ClinVar:

ClinVar aggregate classification (germline): Benign/Likely benign. Review status: criteria provided, multiple submitters, no conflicts (2 of 4 stars). 8 submissions from 8 submitters: Benign (1); Likely benign (6). 1 of the submissions does not count toward it. Last evaluated 2026-01-25.

Conditions:
RET-related disorder. Also called: RET-related disorders; RET-related condition; RET-related disease.
Multiple endocrine neoplasia, type 2 (MEN2). Identifiers: Orphanet 653, MedGen C4048306, MONDO:0019003. Disease mechanism: gain of function.
Multiple endocrine neoplasia type 2A. Also called: MULTIPLE ENDOCRINE NEOPLASIA, TYPE IIA; Multiple Endocrine Neoplasia Type 2A (MEN2A); PTC SYNDROME; SIPPLE SYNDROME; MEN 2A; MEN-2A syndrome. Identifiers: Orphanet 247698, Orphanet 653, MedGen C0025268, MeSH D018813, MONDO:0008234, OMIM 171400.

Allele frequency attached by ClinVar (database versions not stated): gnomAD 0.00002 and 0.00003; TOPMed 0.00003; gnomAD exomes 0.00004 and 0.00005; ExAC 0.00005.
gnomAD v4.1: 65 of 1,608,382 alleles (0.004%); highest among the groups gnomAD compares: Non-Finnish European, 0.0053%; 1 homozygote.

Submissions (8):

Labcorp Genetics (formerly Invitae), Labcorp
Classification: Likely benign for Multiple endocrine neoplasia, type 2. Last evaluated: 2026-01-25. Review status: criteria provided, single submitter. Criteria: Invitae Variant Classification Sherloc (09022015). Collection method: clinical testing. Allele origin: germline.

Women's Health and Genetics/Laboratory Corporation of America, LabCorp
Classification: Likely benign. Last evaluated: 2026-01-24. Review status: criteria provided, single submitter. Criteria: LabCorp Variant Classification Summary - May 2015. Collection method: clinical testing. Allele origin: germline.

Quest Diagnostics Nichols Institute San Juan Capistrano
Classification: Likely benign. Last evaluated: 2025-04-12. Review status: criteria provided, single submitter. Criteria: Quest Diagnostics criteria. Collection method: clinical testing. Allele origin: unknown.

Myriad Genetics, Inc.
Classification: Benign for Multiple endocrine neoplasia type 2A. Last evaluated: 2025-02-25. Review status: criteria provided, single submitter. Criteria: Myriad Autosomal Dominant, Autosomal Recessive and X-Linked Classification Criteria (2023). Collection method: clinical testing. Allele origin: unknown.
Comment: This variant is considered benign. This variant is intronic and is not expected to impact mRNA splicing. This variant has been observed at a population frequency that is significantly greater than expected given the associated disease prevalence and penetrance.

Blueprint Genetics
Classification: Likely benign. Last evaluated: 2024-04-23. Review status: criteria provided, single submitter. Criteria: ACMG Guidelines, 2015. Collection method: clinical testing. Allele origin: germline.

All of Us Research Program, National Institutes of Health
Classification: Likely benign for Multiple endocrine neoplasia, type 2. Last evaluated: 2023-11-02. Review status: criteria provided, single submitter. Criteria: ACMG Guidelines, 2015. Collection method: clinical testing. Allele origin: germline. Inheritance: Autosomal dominant inheritance. Observed: 5 variant alleles, 5 heterozygotes.
Comment: This study involves interpretation of variants in research participants for the purpose of population health screening. Participant phenotype was not available at the time of variant classification. Additional details can be found in publication PMID: 35346344, PMCID: PMC8962531

Color Diagnostics, LLC DBA Color Health
Classification: Likely benign for Multiple endocrine neoplasia, type 2. Last evaluated: 2023-03-23. Review status: criteria provided, single submitter. Criteria: ACMG Guidelines, 2015. Collection method: clinical testing. Allele origin: germline.

PreventionGenetics, part of Exact Sciences
Classification: Likely benign for RET-related condition. Last evaluated: 2019-12-31. Review status: no assertion criteria provided. Collection method: clinical testing. Allele origin: germline. Not counted in ClinVar's aggregate classification.
Comment: This variant is classified as likely benign based on ACMG/AMP sequence variant interpretation guidelines (Richards et al. 2015 PMID: 25741868, with internal and published modifications).

NM_020975.6(RET):c.868-9A>G

Gene: RET (ret proto-oncogene; plus strand). Cytogenetic location: 10q11.21.
Variant type: single nucleotide variant.
Coding change: c.868-9A>G on transcript NM_020975.6 (MANE Select); 9 bases into the intron before coding-DNA position 868, A replaced by G.
Molecular consequence: intron variant.
Genome position (GRCh38, 1-based): chr10:43,106,367, A>G. VCF-style: chr10-43106367-A-G. GRCh37 (hg19) VCF-style: chr10-43601815-A-G.
Other names: c.868-9A>G (NM_020630.7, NM_001406743.1, NM_001406744.1 and 4 more transcripts); c.867+1174A>G (NM_001406772.1, NM_001406769.1); c.626-2664A>G (NM_001406773.1, NM_001406771.1); c.625+3738A>G (NM_001406782.1, NM_001406780.1, NM_001406779.1 and 3 more transcripts); c.739-9A>G (NM_001406764.1, NM_001406762.1, NM_001406761.1 and 1 more transcripts); c.738+1174A>G (NM_001406774.1); c.496+3738A>G (NM_001406786.1, NM_001406783.1); c.580-9A>G (NM_001406770.1, NM_001406766.1, NM_001406767.1); and 5 more.
Identifiers: ClinVar variation 136125 (VCV000136125.20), dbSNP rs201766252, ClinGen allele CA009367.